The following is an entry in ClinVar:

ClinVar aggregate classification (germline): Uncertain significance (1 of 4 stars; one submission).

Conditions:
Dyskeratosis congenita. Identifiers: Orphanet 1775, MedGen C0265965, MONDO:0015780.

Submission:

Ambry Genetics
Classification: Uncertain significance for Dyskeratosis congenita. Last evaluated: 2025-04-03. Review status: criteria provided, single submitter. Criteria: Ambry Variant Classification Scheme 2023. Collection method: clinical testing. Allele origin: germline.
Comment: The p.G1053A variant (also known as c.3158G>C) is located in coding exon 15 of the TERT gene. The glycine at codon 1053 is replaced by alanine, an amino acid with similar properties. This change occurs in the first base pair of coding exon 15. This amino acid position is conserved. In addition, the in silico prediction for this alteration is inconclusive. Based on the available evidence, the clinical significance of this variant remains unclear.

NM_198253.3(TERT):c.3158G>C (p.Gly1053Ala)

Gene: TERT (telomerase reverse transcriptase; minus strand). Cytogenetic location: 5p15.33.
Variant type: single nucleotide variant.
Coding change: c.3158G>C on transcript NM_198253.3 (MANE Select); coding-DNA position 3158, G replaced by C.
Protein change: p.Gly1053Ala; replaces glycine 1053 with alanine.
Molecular consequence: missense variant. On other transcripts: non-coding transcript variant (2).
Genome position (GRCh38, 1-based): chr5:1,254,505, C>G on the plus strand (G>C on the coding strand, the complement: TERT is on the minus strand). VCF-style: chr5-1254505-C-G. GRCh37 (hg19) VCF-style: chr5-1254620-C-G.
Other names: c.2969G>C, p.Gly990Ala (NM_001193376.3); short protein forms G990A, G1053A.
Identifiers: ClinVar variation 3967341 (VCV003967341.1).
Genomic context (GRCh38, chr5:1,254,505, plus strand): 5'-AGCCACTGCACGGCCTCGGAGGGCAGAGGGCCGGCGGCGCCCTTGGCCCCCAGCGACATC[C>G]CTGGGGGAAAACAGAGGCTGAGGAGTCACAGGCCCAGCCCAGCTCCCCTCCCAGGAGACA-3'
Protein context (NP_937983.2, residues 1043-1063): CYSILKAKNA[Gly1053Ala]MSLGAKGAAG